The following is an entry in ClinVar:

ClinVar aggregate classification (germline): Uncertain significance (1 of 4 stars; one submission).

Allele frequency attached by ClinVar (database versions not stated): gnomAD exomes below 0.00001; TOPMed below 0.00001.
gnomAD v4.1: 1 of 1,613,390 alleles (0.000062%); highest among the groups gnomAD compares: South Asian, 0.0011%; no homozygotes.

Submission:

Ambry Genetics
Classification: Uncertain significance. Last evaluated: 2022-05-21. Review status: criteria provided, single submitter. Criteria: Ambry Variant Classification Scheme 2023. Collection method: clinical testing. Allele origin: germline.
Comment: The p.A600G variant (also known as c.1799C>G), located in coding exon 11 of the POLQ gene, results from a C to G substitution at nucleotide position 1799. The alanine at codon 600 is replaced by glycine, an amino acid with similar properties. This amino acid position is conserved. In addition, this alteration is predicted to be tolerated by in silico analysis. Since supporting evidence is limited at this time, the clinical significance of this alteration remains unclear.

NM_199420.4(POLQ):c.1799C>G (p.Ala600Gly)

Gene: POLQ (DNA polymerase theta; minus strand). Cytogenetic location: 3q13.33.
Variant type: single nucleotide variant.
Coding change: c.1799C>G on transcript NM_199420.4 (MANE Select); coding-DNA position 1799, C replaced by G.
Protein change: p.Ala600Gly; replaces alanine 600 with glycine.
Molecular consequence: missense variant.
Genome position (GRCh38, 1-based): chr3:121,510,056, G>C on the plus strand (C>G on the coding strand, the complement: POLQ is on the minus strand). VCF-style: chr3-121510056-G-C. GRCh37 (hg19) VCF-style: chr3-121228903-G-C.
Other names: short protein forms A600G.
Identifiers: ClinVar variation 1780309 (VCV001780309.2), dbSNP rs2048241312, ClinGen allele CA354114315.